The following is an entry in ClinVar:

NM_001371333.1(DIABLO):c.660A>G (p.Thr220=)

Genes: DIABLO (diablo IAP-binding mitochondrial protein; minus strand), B3GNT4 (UDP-GlcNAc:betaGal beta-1,3-N-acetylglucosaminyltransferase 4; plus strand). Cytogenetic location: 12q24.31.
Variant type: single nucleotide variant.
Coding change: c.660A>G on transcript NM_001371333.1 (MANE Select); coding-DNA position 660, A replaced by G.
Protein change: p.Thr220=; no amino-acid change (threonine 220 retained).
Molecular consequence: synonymous variant. On other transcripts: 3 prime UTR variant (2).
Genome position (GRCh38, 1-based): chr12:122,208,441, T>C on the plus strand (A>G on the coding strand, the complement: DIABLO is on the minus strand). VCF-style: chr12-122208441-T-C. GRCh37 (hg19) VCF-style: chr12-122692988-T-C.
Other names: c.369A>G, p.Thr123= (NM_001278302.1); c.441A>G, p.Thr147= (NM_001278303.1); c.501A>G, p.Thr167= (NM_001278304.2, NM_138930.3); c.528A>G, p.Thr176= (NM_001278342.1); c.660A>G, p.Thr220= (NM_019887.6); c.*1053T>C (NM_001330492.2, NM_030765.4).
Identifiers: ClinVar variation 514568 (VCV000514568.1), dbSNP rs1223091168, ClinGen allele CA482194502.

ClinVar aggregate classification (germline): Likely benign (1 of 4 stars; one submission).

Allele frequency attached by ClinVar (database versions not stated): gnomAD 0.00001; TOPMed 0.00001; gnomAD exomes 0.00002.
gnomAD v4.1: 35 of 1,613,888 alleles (0.0022%); highest among the groups gnomAD compares: Non-Finnish European, 0.0029%; no homozygotes.

Submission:

GeneDx
Classification: Likely benign. Last evaluated: 2018-01-16. Review status: criteria provided, single submitter. Criteria: GeneDx Variant Classification (06012015). Collection method: clinical testing. Allele origin: germline. Affected: yes.
Comment: This variant is considered likely benign or benign based on one or more of the following criteria: it is a conservative change, it occurs at a poorly conserved position in the protein, it is predicted to be benign by multiple in silico algorithms, and/or has population frequency not consistent with disease.